The following is an entry in ClinVar:

ClinVar aggregate classification (germline): Uncertain significance (1 of 4 stars; one submission).

Conditions:
Dilated cardiomyopathy 2B. Identifiers: Orphanet 154, MedGen C3553409, MONDO:0013848, OMIM 614672.

Submission:

Labcorp Genetics (formerly Invitae), Labcorp
Classification: Uncertain significance for Dilated cardiomyopathy 2B. Last evaluated: 2024-12-07. Review status: criteria provided, single submitter. Criteria: Invitae Variant Classification Sherloc (09022015). Collection method: clinical testing. Allele origin: germline.
Comment: This sequence change replaces glycine, which is neutral and non-polar, with tryptophan, which is neutral and slightly polar, at codon 26 of the GATAD1 protein (p.Gly26Trp). This variant is not present in population databases (gnomAD no frequency). This variant has not been reported in the literature in individuals affected with GATAD1-related conditions. Invitae Evidence Modeling of protein sequence and biophysical properties (such as structural, functional, and spatial information, amino acid conservation, physicochemical variation, residue mobility, and thermodynamic stability) indicates that this missense variant is not expected to disrupt GATAD1 protein function with a negative predictive value of 80%. In summary, the available evidence is currently insufficient to determine the role of this variant in disease. Therefore, it has been classified as a Variant of Uncertain Significance.

NM_021167.5(GATAD1):c.76G>T (p.Gly26Trp)

Genes: GATAD1 (GATA zinc finger domain containing 1; plus strand), LOC129998793 (ATAC-STARR-seq lymphoblastoid silent region 18371; plus strand). Cytogenetic location: 7q21.2.
Variant type: single nucleotide variant.
Coding change: c.76G>T on transcript NM_021167.5 (MANE Select); coding-DNA position 76, G replaced by T.
Protein change: p.Gly26Trp; replaces glycine 26 with tryptophan.
Molecular consequence: missense variant. On other transcripts: non-coding transcript variant (1).
Genome position (GRCh38, 1-based): chr7:92,447,805, G>T. VCF-style: chr7-92447805-G-T. GRCh37 (hg19) VCF-style: chr7-92077119-G-T.
Other names: short protein forms G26W.
Identifiers: ClinVar variation 3665749 (VCV003665749.2).
Genomic context (GRCh38, chr7:92,447,805, plus strand): 5'-AAGCCCACCTGCAGCGTATGCAAGACCACGTCGTCCTCCATGTGGAAGAAGGGAGCGCAG[G>T]GGGAGATCCTCTGCCATCATTGCACTGGCCGGGGCGGCGCGGGCAGCGGGGGCGCAGGCT-3'
Protein context (NP_066990.3, residues 16-36): SSSMWKKGAQ[Gly26Trp]EILCHHCTGR